The following is an entry in ClinVar:

NM_182916.3(TRNT1):c.27C>G (p.His9Gln)

Gene: TRNT1 (tRNA nucleotidyl transferase 1; plus strand). Cytogenetic location: 3p26.2.
Variant type: single nucleotide variant.
Coding change: c.27C>G on transcript NM_182916.3 (MANE Select); coding-DNA position 27, C replaced by G.
Protein change: p.His9Gln; replaces histidine 9 with glutamine.
Molecular consequence: missense variant. On other transcripts: non-coding transcript variant (11).
Genome position (GRCh38, 1-based): chr3:3,129,067, C>G. VCF-style: chr3-3129067-C-G. GRCh37 (hg19) VCF-style: chr3-3170751-C-G.
Other names: c.27C>G, p.His9Gln (NM_001302946.2, NM_001367321.1, NM_001367322.1 and 1 more transcripts); short protein forms H9Q.
Identifiers: ClinVar variation 2301991 (VCV002301991.5), dbSNP rs776254990, ClinGen allele CA351442144.
Genomic context (GRCh38, chr3:3,129,067, plus strand): 5'-CTTGTAGATGTGTAGTTGGTGACTGCCTCTCCAGATGCTGAGGTGCCTGTATCATTGGCA[C>G]AGGCCAGTGCTGAACCGTAGGTGGAGTAGGCTGTGCCTTCCGAAGCAGTATCTATTCACA-3'
Protein context (NP_886552.3, residues 1-19): MLRCLYHW[His9Gln]RPVLNRRWSR

ClinVar aggregate classification (germline): Uncertain significance. Review status: criteria provided, multiple submitters, no conflicts (2 of 4 stars). 2 submissions from 2 submitters: Uncertain significance (2). Last evaluated 2023-07-31.

Conditions:
Congenital sideroblastic anemia-B-cell immunodeficiency-periodic fever-developmental delay syndrome. Also called: Sideroblastic anemia with B-cell immunodeficiency, periodic fevers, and developmental delay. Identifiers: Orphanet 369861, MedGen C4015172, MONDO:0014487, OMIM 616084.
Inborn genetic diseases. Identifiers: MedGen C0950123, MeSH D030342.

Submissions (2):

Labcorp Genetics (formerly Invitae), Labcorp
Classification: Uncertain significance for Congenital sideroblastic anemia-B-cell immunodeficiency-periodic fever-developmental delay syndrome. Last evaluated: 2023-07-31. Review status: criteria provided, single submitter. Criteria: Invitae Variant Classification Sherloc (09022015). Collection method: clinical testing. Allele origin: germline.
Comment: An algorithm developed to predict the effect of missense changes on protein structure and function (PolyPhen-2) suggests that this variant is likely to be tolerated. ClinVar contains an entry for this variant (Variation ID: 2301991). This variant has not been reported in the literature in individuals affected with TRNT1-related conditions. This variant is not present in population databases (gnomAD no frequency). This sequence change replaces histidine, which is basic and polar, with glutamine, which is neutral and polar, at codon 9 of the TRNT1 protein (p.His9Gln). In summary, the available evidence is currently insufficient to determine the role of this variant in disease. Therefore, it has been classified as a Variant of Uncertain Significance.

Ambry Genetics
Classification: Uncertain significance for Inborn genetic diseases. Last evaluated: 2022-07-14. Review status: criteria provided, single submitter. Criteria: Ambry Variant Classification Scheme 2023. Collection method: clinical testing. Allele origin: germline.